The following is an entry in ClinVar:

ClinVar aggregate classification (germline): Uncertain significance (1 of 4 stars; one submission).

Conditions:
Cryopyrin associated periodic syndrome (CAPS). Identifiers: Orphanet 208650, MedGen C2316212, MONDO:0016168.

Allele frequency attached by ClinVar (database versions not stated): gnomAD exomes below 0.00001.
gnomAD v4.1: 3 of 1,613,376 alleles (0.00019%); highest among the groups gnomAD compares: Non-Finnish European, 0.00025%; no homozygotes.

Submission:

Labcorp Genetics (formerly Invitae), Labcorp
Classification: Uncertain significance for Cryopyrin associated periodic syndrome. Last evaluated: 2022-09-28. Review status: criteria provided, single submitter. Criteria: Invitae Variant Classification Sherloc (09022015). Collection method: clinical testing. Allele origin: germline.
Comment: This variant has not been reported in the literature in individuals affected with NLRP3-related conditions. This variant is not present in population databases (gnomAD no frequency). This sequence change replaces glycine, which is neutral and non-polar, with serine, which is neutral and polar, at codon 119 of the NLRP3 protein (p.Gly119Ser). In summary, the available evidence is currently insufficient to determine the role of this variant in disease. Therefore, it has been classified as a Variant of Uncertain Significance. Advanced modeling of protein sequence and biophysical properties (such as structural, functional, and spatial information, amino acid conservation, physicochemical variation, residue mobility, and thermodynamic stability) has been performed at Invitae for this missense variant, however the output from this modeling did not meet the statistical confidence thresholds required to predict the impact of this variant on NLRP3 protein function.

NM_001243133.2(NLRP3):c.349G>A (p.Gly117Ser)

Gene: NLRP3 (NLR family pyrin domain containing 3; plus strand). Cytogenetic location: 1q44.
Variant type: single nucleotide variant.
Coding change: c.349G>A on transcript NM_001243133.2 (MANE Select); coding-DNA position 349, G replaced by A.
Protein change: p.Gly117Ser; replaces glycine 117 with serine.
Molecular consequence: missense variant.
Genome position (GRCh38, 1-based): chr1:247,423,301, G>A. VCF-style: chr1-247423301-G-A. GRCh37 (hg19) VCF-style: chr1-247586603-G-A.
Other names: c.349G>A, p.Gly117Ser (NM_183395.3, NM_001079821.3, NM_001127461.3 and 1 more transcripts); c.355G>A, p.Gly119Ser (NM_004895.5); short protein forms G117S, G119S.
Identifiers: ClinVar variation 1927335 (VCV001927335.5), dbSNP rs1662602189, ClinGen allele CA345554451.
Genomic context (GRCh38, chr1:247,423,301, plus strand): 5'-GCACGTGTTTCGAATCCCACTGTGATATGCCAGGAAGACAGCATTGAAGAGGAGTGGATG[G>A]GTTTACTGGAGTACCTTTCGAGAATCTCTATTTGTAAAATGAAGAAAGGTAAGCGACTGG-3'
Protein context (NP_001230062.1, residues 107-127): QEDSIEEEWM[Gly117Ser]LLEYLSRISI